The following is an entry in ClinVar:

ClinVar aggregate classification (germline): Uncertain significance. Review status: criteria provided, multiple submitters, no conflicts (2 of 4 stars). 3 submissions from 3 submitters: Uncertain significance (3). Last evaluated 2026-06-23.

Conditions:
Charcot-Marie-Tooth disease. Also called: Charcot-Marie-Tooth Hereditary Neuropathy; Charcot-Marie-Tooth Neuropathy. Identifiers: Orphanet 166, MedGen C0007959, MONDO:0015626.

gnomAD v4.1: 2 of 1,200,137 alleles (0.00017%); no homozygotes.

Submissions (3):

Women's Health and Genetics/Laboratory Corporation of America, LabCorp
Classification: Uncertain significance. Last evaluated: 2026-06-23. Review status: criteria provided, single submitter. Criteria: LabCorp Variant Classification Summary - May 2015. Collection method: clinical testing. Allele origin: germline.
Comment: Variant summary: PDK3 c.467C>T (p.Thr156Ile) results in a non-conservative amino acid change located in the Branched-chain alpha-ketoacid dehydrogenase kinase/Pyruvate dehydrogenase kinase, N-terminal (IPR018955) of the encoded protein sequence. Algorithms developed to predict the effect of missense changes on protein structure and function are either unavailable or do not agree on the potential impact of this missense change. The frequency data for this variant in gnomAD is considered unreliable, as metrics indicate poor data quality at this position. To our knowledge, no occurrence of c.467C>T in individuals affected with PDK3-related conditions and no experimental evidence demonstrating its impact on protein function have been reported. ClinVar contains an entry for this variant (Variation ID: 917162). Based on the evidence outlined above, the variant was classified as uncertain significance.

GeneDx
Classification: Uncertain significance. Last evaluated: 2019-07-11. Review status: criteria provided, single submitter. Criteria: GeneDx Variant Classification Process June 2021. Collection method: clinical testing. Allele origin: germline. Affected: yes.
Comment: Not observed in large population cohorts (Lek et al., 2016); In silico analysis, which includes protein predictors and evolutionary conservation, supports that this variant does not alter protein structure/function; Has not been previously published as pathogenic or benign to our knowledge

Molecular Genetics Laboratory, London Health Sciences Centre
Classification: Uncertain significance for Charcot-Marie-Tooth disease. Review status: criteria provided, single submitter. Criteria: ACMG Guidelines, 2015. Collection method: clinical testing. Allele origin: germline. Affected: yes.

NM_005391.5(PDK3):c.467C>T (p.Thr156Ile)

Gene: PDK3 (pyruvate dehydrogenase kinase 3; plus strand). Cytogenetic location: Xp22.11.
Variant type: single nucleotide variant.
Coding change: c.467C>T on transcript NM_005391.5 (MANE Select); coding-DNA position 467, C replaced by T.
Protein change: p.Thr156Ile; replaces threonine 156 with isoleucine.
Molecular consequence: missense variant.
Genome position (GRCh38, 1-based): chrX:24,503,473, C>T. VCF-style: chrX-24503473-C-T. GRCh37 (hg19) VCF-style: chrX-24521590-C-T.
Other names: c.467C>T, p.Thr156Ile (NM_001142386.3); short protein forms T156I.
Identifiers: ClinVar variation 917162 (VCV000917162.6), dbSNP rs1602114620, ClinGen allele CA412605448.